The following is an entry in ClinVar:

NM_001363711.2(DUOX2):c.3395T>A (p.Met1132Lys)

Gene: DUOX2 (dual oxidase 2; minus strand). Cytogenetic location: 15q21.1.
Variant type: single nucleotide variant.
Coding change: c.3395T>A on transcript NM_001363711.2 (MANE Select); coding-DNA position 3395, T replaced by A.
Protein change: p.Met1132Lys; replaces methionine 1132 with lysine.
Molecular consequence: missense variant.
Genome position (GRCh38, 1-based): chr15:45,099,682, A>T on the plus strand (T>A on the coding strand, the complement: DUOX2 is on the minus strand). VCF-style: chr15-45099682-A-T. GRCh37 (hg19) VCF-style: chr15-45391880-A-T.
Other names: c.3395T>A, p.Met1132Lys (NM_014080.5); short protein forms M1132K.
Identifiers: ClinVar variation 2506343 (VCV002506343.1), dbSNP rs189585637, ClinGen allele CA7537888.

ClinVar aggregate classification (germline): Uncertain significance (1 of 4 stars; one submission).

Allele frequency attached by ClinVar (database versions not stated): 1000 Genomes Project 0.00040; 1000 Genomes Project 30x 0.00062.

Submission:

Women's Health and Genetics/Laboratory Corporation of America, LabCorp
Classification: Uncertain significance. Last evaluated: 2023-05-16. Review status: criteria provided, single submitter. Criteria: LabCorp Variant Classification Summary - May 2015. Collection method: clinical testing. Allele origin: germline.
Comment: Variant summary: DUOX2 c.3395T>A (p.Met1132Lys) results in a non-conservative amino acid change located in the ferric reductase transmembrane component-like domain (IPR013130) of the encoded protein sequence. Three of five in-silico tools predict a benign effect of the variant on protein function. The variant allele was found at a frequency of 4e-05 in 251474 control chromosomes, found exclusively within the East Asian subpopulation in the gnomAD database at a frequency of 0.00054 . c.3395T>A has been reported in the literature in the heterozygous state in an individual affected with congenital hypothyroidism (Sun_2018). This report does not provide unequivocal conclusions about association of the variant with Thyroid Dyshormonogenesis 6. Experimental evidence evaluating an impact on protein function showed little to no damaging effect of this variant on enzyme activity (Sun_2021). The following publications have been ascertained in the context of this evaluation (PMID: 34564849, 29650690). No clinical diagnostic laboratories have submitted clinical-significance assessments for this variant to ClinVar after 2014. Based on the evidence outlined above, the variant was classified as uncertain significance.

Literature cited by the submitters: PubMed 34564849; PubMed 29650690.